The following is an entry in ClinVar:

NM_001458.5(FLNC):c.5573A>G (p.Asn1858Ser)

Genes: FLNC (filamin C; plus strand), FLNC-AS1 (FLNC antisense RNA 1; minus strand). Cytogenetic location: 7q32.1.
Variant type: single nucleotide variant.
Coding change: c.5573A>G on transcript NM_001458.5 (MANE Select); coding-DNA position 5573, A replaced by G.
Protein change: p.Asn1858Ser; replaces asparagine 1858 with serine.
Molecular consequence: missense variant.
Genome position (GRCh38, 1-based): chr7:128,851,265, A>G. VCF-style: chr7-128851265-A-G. GRCh37 (hg19) VCF-style: chr7-128491319-A-G.
Other names: c.5474A>G, p.Asn1825Ser (NM_001127487.2); short protein forms N1825S, N1858S.
Identifiers: ClinVar variation 4056043 (VCV004056043.1).

ClinVar aggregate classification (germline): Uncertain significance (1 of 4 stars; one submission).

Submission:

GeneDx
Classification: Uncertain significance. Last evaluated: 2025-01-07. Review status: criteria provided, single submitter. Criteria: GeneDx Variant Classification Process June 2021. Collection method: clinical testing. Allele origin: germline. Affected: yes.
Comment: Not observed at significant frequency in large population cohorts (gnomAD); In silico analysis supports that this missense variant has a deleterious effect on protein structure/function; Has not been previously published as pathogenic or benign to our knowledge